The following is an entry in ClinVar:

ClinVar aggregate classification (germline): Uncertain significance. Review status: criteria provided, multiple submitters, no conflicts (2 of 4 stars). 2 submissions from 2 submitters: Uncertain significance (2). Last evaluated 2024-06-28.

Conditions:
Hereditary cancer-predisposing syndrome. Also called: Neoplastic Syndromes, Hereditary; Tumor predisposition; Hereditary Cancer Syndrome; Hereditary neoplastic syndrome. Identifiers: Orphanet 140162, MedGen C0027672, MeSH D009386, MONDO:0015356.

Submissions (2):

Labcorp Genetics (formerly Invitae), Labcorp
Classification: Uncertain significance. Last evaluated: 2024-06-28. Review status: criteria provided, single submitter. Criteria: Invitae Variant Classification Sherloc (09022015). Collection method: clinical testing. Allele origin: germline.
Comment: This sequence change replaces glutamic acid, which is acidic and polar, with glutamine, which is neutral and polar, at codon 1296 of the POLE protein (p.Glu1296Gln). This variant is not present in population databases (gnomAD no frequency). This variant has not been reported in the literature in individuals affected with POLE-related conditions. ClinVar contains an entry for this variant (Variation ID: 1735842). Advanced modeling of protein sequence and biophysical properties (such as structural, functional, and spatial information, amino acid conservation, physicochemical variation, residue mobility, and thermodynamic stability) performed at Invitae indicates that this missense variant is not expected to disrupt POLE protein function with a negative predictive value of 80%. In summary, the available evidence is currently insufficient to determine the role of this variant in disease. Therefore, it has been classified as a Variant of Uncertain Significance.

Ambry Genetics
Classification: Uncertain significance for Hereditary cancer-predisposing syndrome. Last evaluated: 2021-12-21. Review status: criteria provided, single submitter. Criteria: Ambry Variant Classification Scheme 2023. Collection method: clinical testing. Allele origin: germline.
Comment: The p.E1296Q variant (also known as c.3886G>C), located in coding exon 31 of the POLE gene, results from a G to C substitution at nucleotide position 3886. The glutamic acid at codon 1296 is replaced by glutamine, an amino acid with highly similar properties. This amino acid position is conserved. In addition, this alteration is predicted to be tolerated by in silico analysis. Since supporting evidence is limited at this time, the clinical significance of this alteration remains unclear.

NM_006231.4(POLE):c.3886G>C (p.Glu1296Gln)

Gene: POLE (DNA polymerase epsilon, catalytic subunit; minus strand). Cytogenetic location: 12q24.33.
Variant type: single nucleotide variant.
Coding change: c.3886G>C on transcript NM_006231.4 (MANE Select); coding-DNA position 3886, G replaced by C.
Protein change: p.Glu1296Gln; replaces glutamic acid 1296 with glutamine.
Molecular consequence: missense variant.
Genome position (GRCh38, 1-based): chr12:132,649,425, C>G on the plus strand (G>C on the coding strand, the complement: POLE is on the minus strand). VCF-style: chr12-132649425-C-G. GRCh37 (hg19) VCF-style: chr12-133226011-C-G.
Other names: short protein forms E1296Q.
Identifiers: ClinVar variation 1735842 (VCV001735842.4), dbSNP rs2138608117, ClinGen allele CA387385265.